The following is an entry in ClinVar:

ClinVar aggregate classification (germline): Uncertain significance. Review status: criteria provided, multiple submitters, no conflicts (2 of 4 stars). 4 submissions from 4 submitters: Uncertain significance (4). Last evaluated 2026-06-23.

Conditions:
Inborn genetic diseases. Identifiers: MedGen C0950123, MeSH D030342.
WDR1-related disorder. Also called: WDR1-related condition.

Allele frequency attached by ClinVar (database versions not stated): gnomAD exomes 0.00022; ExAC 0.00042; 1000 Genomes Project 0.00060; 1000 Genomes Project 30x 0.00062; gnomAD 0.00062 and 0.00066; TOPMed 0.00067; ESP Exome Variant Server 0.00074.
gnomAD v4.1: 224 of 1,555,934 alleles (0.014%); highest among the groups gnomAD compares: African/African-American, 0.18%; no homozygotes.

Submissions (4):

PreventionGenetics, part of Exact Sciences
Classification: Uncertain significance for WDR1-related condition. Last evaluated: 2026-06-23. Review status: criteria provided, single submitter. Criteria: ACMG Guidelines, 2015. Collection method: clinical testing. Allele origin: germline.
Comment: The WDR1 c.640T>C variant is predicted to result in the amino acid substitution p.Tyr214His. To our knowledge, this variant has not been reported in the literature. This variant is reported in 0.13% of alleles in individuals of African descent in gnomAD and is listed in ClinVar as uncertain (ClinVar ID: 1443849). Although we suspect that this variant may be benign, at this time, the clinical significance of this variant is uncertain due to the absence of conclusive functional and genetic evidence.

Ambry Genetics
Classification: Uncertain significance for Inborn genetic diseases. Last evaluated: 2025-08-05. Review status: criteria provided, single submitter. Criteria: Ambry Variant Classification Scheme 2023. Collection method: clinical testing. Allele origin: germline.

Labcorp Genetics (formerly Invitae), Labcorp
Classification: Uncertain significance. Last evaluated: 2022-10-07. Review status: criteria provided, single submitter. Criteria: Invitae Variant Classification Sherloc (09022015). Collection method: clinical testing. Allele origin: germline.
Comment: This sequence change replaces tyrosine, which is neutral and polar, with histidine, which is basic and polar, at codon 214 of the WDR1 protein (p.Tyr214His). This variant is present in population databases (rs115753948, gnomAD 0.1%). This variant has not been reported in the literature in individuals affected with WDR1-related conditions. ClinVar contains an entry for this variant (Variation ID: 1443849). Algorithms developed to predict the effect of missense changes on protein structure and function output the following: SIFT: "Tolerated"; PolyPhen-2: "Benign"; Align-GVGD: "Class C0". The histidine amino acid residue is found in multiple mammalian species, which suggests that this missense change does not adversely affect protein function. In summary, the available evidence is currently insufficient to determine the role of this variant in disease. Therefore, it has been classified as a Variant of Uncertain Significance.

Breakthrough Genomics
Classification: Uncertain significance. Review status: criteria provided, single submitter. Criteria: ACMG Guidelines, 2015. Collection method: not provided. Allele origin: germline. Inheritance: Autosomal recessive inheritance. Affected: yes.

NM_017491.5(WDR1):c.640T>C (p.Tyr214His)

Gene: WDR1 (WD repeat domain 1; minus strand). Cytogenetic location: 4p16.1.
Variant type: single nucleotide variant.
Coding change: c.640T>C on transcript NM_017491.5 (MANE Select); coding-DNA position 640, T replaced by C.
Protein change: p.Tyr214His; replaces tyrosine 214 with histidine.
Molecular consequence: missense variant.
Genome position (GRCh38, 1-based): chr4:10,088,370, A>G on the plus strand (T>C on the coding strand, the complement: WDR1 is on the minus strand). VCF-style: chr4-10088370-A-G. GRCh37 (hg19) VCF-style: chr4-10089994-A-G.
Other names: c.640T>C (NM_017491.3); c.220T>C, p.Tyr74His (NM_005112.5); short protein forms Y214H, Y74H.
Identifiers: ClinVar variation 1443849 (VCV001443849.9), dbSNP rs115753948, ClinGen allele CA2857918.